The following is an entry in ClinVar:

ClinVar aggregate classification (germline): Uncertain significance. Review status: criteria provided, multiple submitters, no conflicts (2 of 4 stars). 2 submissions from 2 submitters: Uncertain significance (2). Last evaluated 2025-03-15.

Conditions:
Inborn genetic diseases. Identifiers: MedGen C0950123, MeSH D030342.
Deafness-lymphedema-leukemia syndrome. Also called: Emberger syndrome; Lymphedema, primary, with myelodysplasia. Identifiers: Orphanet 3226, MedGen C3279664, MONDO:0013540, OMIM 614038.
Monocytopenia with susceptibility to infections. Also called: MONOCYTOPENIA AND MYCOBACTERIAL INFECTION SYNDROME; MONOCYTOPENIA WITH SUSCEPTIBILITY TO MYCOBACTERIAL, FUNGAL, AND PAPILLOMAVIRUS INFECTIONS AND MYELODYSPLASIA; COMBINED IMMUNODEFICIENCY WITH SUSCEPTIBILITY TO MYCOBACTERIAL, VIRAL, AND FUNGAL INFECTIONS; Dendritic cell, monocyte, B lymphocyte, and natural killer lymphocyte deficiency; IMMUNODEFICIENCY 21; GATA2 DEFICIENCY. Identifiers: Orphanet 228423, MedGen C3280030, MONDO:0013607, OMIM 614172.

Allele frequency attached by ClinVar (database versions not stated): gnomAD 0.00001.

Submissions (2):

Ambry Genetics
Classification: Uncertain significance for Inborn genetic diseases. Last evaluated: 2025-03-15. Review status: criteria provided, single submitter. Criteria: Ambry Variant Classification Scheme 2023. Collection method: clinical testing. Allele origin: germline.
Comment: The p.S340L variant (also known as c.1019C>T), located in coding exon 4 of the GATA2 gene, results from a C to T substitution at nucleotide position 1019. The serine at codon 340 is replaced by leucine, an amino acid with dissimilar properties. This amino acid position is conserved. In addition, this alteration is predicted to be deleterious by in silico analysis. Based on the available evidence, the clinical significance of this variant remains unclear.

Labcorp Genetics (formerly Invitae), Labcorp
Classification: Uncertain significance for Monocytopenia with susceptibility to infections; Deafness-lymphedema-leukemia syndrome. Last evaluated: 2023-06-30. Review status: criteria provided, single submitter. Criteria: Invitae Variant Classification Sherloc (09022015). Collection method: clinical testing. Allele origin: germline.
Comment: In summary, the available evidence is currently insufficient to determine the role of this variant in disease. Therefore, it has been classified as a Variant of Uncertain Significance. An algorithm developed to predict the effect of missense changes on protein structure and function (PolyPhen-2) suggests that this variant is likely to be disruptive. ClinVar contains an entry for this variant (Variation ID: 1056839). This variant has not been reported in the literature in individuals affected with GATA2-related conditions. This variant is present in population databases (no rsID available, gnomAD 0.007%). This sequence change replaces serine, which is neutral and polar, with leucine, which is neutral and non-polar, at codon 340 of the GATA2 protein (p.Ser340Leu).

NM_032638.5(GATA2):c.1019C>T (p.Ser340Leu)

Gene: GATA2 (GATA binding protein 2; minus strand). Cytogenetic location: 3q21.3.
Variant type: single nucleotide variant.
Coding change: c.1019C>T on transcript NM_032638.5 (MANE Select); coding-DNA position 1019, C replaced by T.
Protein change: p.Ser340Leu; replaces serine 340 with leucine.
Molecular consequence: missense variant. On other transcripts: intron variant (1).
Genome position (GRCh38, 1-based): chr3:128,481,943, G>A on the plus strand (C>T on the coding strand, the complement: GATA2 is on the minus strand). VCF-style: chr3-128481943-G-A. GRCh37 (hg19) VCF-style: chr3-128200786-G-A.
Other names: c.1019C>T, p.Ser340Leu (NM_001145661.2); c.1018-41C>T (NM_001145662.1); c.1019C>T (NM_032638.4); short protein forms S340L.
Identifiers: ClinVar variation 1056839 (VCV001056839.11), dbSNP rs745439347, ClinGen allele CA354413709.